The following is an entry in ClinVar:

NM_052844.4(DYNC2I2):c.743G>A (p.Ser248Asn)

Genes: DYNC2I2 (dynein 2 intermediate chain 2; minus strand), LOC126860772 (CDK7 strongly-dependent group 2 enhancer GRCh37_chr9:131396972-131398171; plus strand). Cytogenetic location: 9q34.11.
Variant type: single nucleotide variant.
Coding change: c.743G>A on transcript NM_052844.4 (MANE Select); coding-DNA position 743, G replaced by A.
Protein change: p.Ser248Asn; replaces serine 248 with asparagine.
Molecular consequence: missense variant.
Genome position (GRCh38, 1-based): chr9:128,635,728, C>T on the plus strand (G>A on the coding strand, the complement: DYNC2I2 is on the minus strand). VCF-style: chr9-128635728-C-T. GRCh37 (hg19) VCF-style: chr9-131398007-C-T.
Other names: c.743G>A (NM_052844.3); short protein forms S248N.
Identifiers: ClinVar variation 2193775 (VCV002193775.2), dbSNP rs777232958, ClinGen allele CA200419682.

ClinVar aggregate classification (germline): Uncertain significance. Review status: criteria provided, multiple submitters, no conflicts (2 of 4 stars). 2 submissions from 2 submitters: Uncertain significance (2). Last evaluated 2025-10-21.

Conditions:
Short-rib thoracic dysplasia 11 with or without polydactyly (SRTD11). Also called: SHORT-RIB THORACIC DYSPLASIA 11 WITHOUT POLYDACTYLY. Identifiers: Orphanet 474, Orphanet 93271, MedGen C3810200, MONDO:0014287, OMIM 615633.
Inborn genetic diseases. Identifiers: MedGen C0950123, MeSH D030342.

Allele frequency attached by ClinVar (database versions not stated): TOPMed below 0.00001; gnomAD exomes below 0.00001.
gnomAD v4.1: 3 of 1,613,222 alleles (0.00019%); highest among the groups gnomAD compares: Admixed American, 0.0017%; no homozygotes.

Submissions (2):

Ambry Genetics
Classification: Uncertain significance for Inborn genetic diseases. Last evaluated: 2025-10-21. Review status: criteria provided, single submitter. Criteria: Ambry Variant Classification Scheme 2023. Collection method: clinical testing. Allele origin: germline.

Labcorp Genetics (formerly Invitae), Labcorp
Classification: Uncertain significance for Short-rib thoracic dysplasia 11 with or without polydactyly. Last evaluated: 2021-12-25. Review status: criteria provided, single submitter. Criteria: Invitae Variant Classification Sherloc (09022015). Collection method: clinical testing. Allele origin: germline.
Comment: This sequence change replaces serine, which is neutral and polar, with asparagine, which is neutral and polar, at codon 248 of the WDR34 protein (p.Ser248Asn). This variant is present in population databases (rs777232958, gnomAD 0.003%). This variant has not been reported in the literature in individuals affected with WDR34-related conditions. Algorithms developed to predict the effect of missense changes on protein structure and function (SIFT, PolyPhen-2, Align-GVGD) all suggest that this variant is likely to be tolerated. In summary, the available evidence is currently insufficient to determine the role of this variant in disease. Therefore, it has been classified as a Variant of Uncertain Significance.